The following is an entry in ClinVar:

NM_001114753.3(ENG):c.771del (p.Tyr258fs)

Gene: ENG (endoglin; minus strand). Cytogenetic location: 9q34.11.
Variant type: Deletion.
Coding change: c.771del on transcript NM_001114753.3 (MANE Select); coding-DNA position 771, one base deleted (C; older notation c.771delC).
Protein change: p.Tyr258fs; shifts the reading frame from tyrosine 258.
Molecular consequence: frameshift variant.
Genome position (GRCh38, 1-based): chr9:127,825,276, G deleted on the plus strand (C on the coding strand, the reverse complement: ENG is on the minus strand); the first of 6 consecutive G bases (chr9:127,825,276-127,825,281); deleting any one gives the same sequence. VCF-style (leftmost placement, unchanged base first): chr9-127825275-AG-A. GRCh37 (hg19) VCF-style: chr9-130587554-AG-A.
Other names: c.771delC (NM_000118.3, NM_001114753.2); c.766delC, p.Tyr258Thrfs (NM_000118.4, NM_001406715.1); c.225del, p.Tyr76fs (NM_001278138.2); short protein forms Y76fs, Y258fs.
Identifiers: ClinVar variation 656930 (VCV000656930.17), dbSNP rs1588581902, ClinGen allele CA915947178.
Genomic context (GRCh38, chr9:127,825,275, plus strand): 5'-GCTGCGCACAACTCACCCAGATCTGCATGTTGTGGTTGGCGTCGATGAGCCAGGACACGT[AG>A]GGGGGACCCTGCAGGATGAGGACGGCATCGAGATCCCCGGGTGCGCAGCTCAGTTCCACC-3'

ClinVar aggregate classification (germline): Pathogenic. Review status: criteria provided, multiple submitters, no conflicts (2 of 4 stars). 4 submissions from 4 submitters: Pathogenic (4). Last evaluated 2025-11-25.

Conditions:
Hereditary hemorrhagic telangiectasia (HHT). Also called: ORW DISEASE; Osler Weber Rendu syndrome; OSLER-RENDU-WEBER DISEASE; Osler hemorrhagic telangiectasia syndrome. Identifiers: Orphanet 774, MedGen C0039445, MONDO:0019180. Disease mechanism: loss of function.
Cardiovascular phenotype. Identifiers: MedGen CN230736.
ENG-related disorder. Also called: ENG-related condition; ENG-related disorders.
Telangiectasia, hereditary hemorrhagic, type 1 (HHT1). Also called: Osler Weber Rendu syndrome type 1; ENG-Related Hereditary Hemorrhagic Telangiectasia. Identifiers: Orphanet 774, MedGen C4551861, MONDO:0008535, OMIM 187300. Disease mechanism: loss of function.

Submissions (4):

Labcorp Genetics (formerly Invitae), Labcorp
Classification: Pathogenic for Hereditary hemorrhagic telangiectasia. Last evaluated: 2025-11-25. Review status: criteria provided, single submitter. Criteria: Invitae Variant Classification Sherloc (09022015). Collection method: clinical testing. Allele origin: germline.
Comment: This sequence change creates a premature translational stop signal (p.Tyr258Thrfs*101) in the ENG gene. It is expected to result in an absent or disrupted protein product. Loss-of-function variants in ENG are known to be pathogenic (PMID: 15879500). This variant is not present in population databases (gnomAD no frequency). This premature translational stop signal has been observed in individuals with hereditary hemorrhagic telangiectasia (PMID: 17384219, 21158752; internal data). This variant is also known as p.P257fsX358 or p.Pro257fs. ClinVar contains an entry for this variant (Variation ID: 656930). For these reasons, this variant has been classified as Pathogenic.

Victorian Clinical Genetics Services, Murdoch Childrens Research Institute
Classification: Pathogenic for Telangiectasia, hereditary hemorrhagic, type 1. Last evaluated: 2022-03-31. Review status: criteria provided, single submitter. Criteria: ACMG Guidelines, 2015. Collection method: clinical testing. Allele origin: germline. Inheritance: Autosomal dominant inheritance.
Comment: Based on the classification scheme VCGS_Germline_v1.3.4, this variant is classified as Pathogenic. Following criteria are met: 0103 - Dominant negative and loss of function are known mechanisms of disease in this gene and are associated with hereditary haemorrhagic telangiectasia type 1 (HHT; MIM#187300). Multiple protein truncating variants have been reported, and missense variants have been demonstrated to have both loss of function and dominant negative effects on protein activity (PMID: 25312062). (I). 0107 - This gene is associated with autosomal dominant disease. (I) 0201 - Variant is predicted to cause nonsense-mediated decay (NMD) and loss of protein (premature termination codon is located at least 54 nucleotides upstream of the final exon-exon junction). (SP) 0251 - This variant is heterozygous. (I) 0301 - Variant is absent from gnomAD (both v2 and v3). (SP) 0701 - Other variants predicted to cause NMD comparable to the one identified in this case have very strong previous evidence for pathogenicity (DECIPHER). (SP) 0803 - This variant has limited previous evidence of pathogenicity in unrelated individuals with HHT (ClinVar, PMID: 31455059). (SP) 1208 - Inheritance information for this variant is not currently available in this individual. (I) Legend: (SP) - Supporting pathogenic, (I) - Information, (SB) - Supporting benign

Blueprint Genetics
Classification: Pathogenic for ENG-related disorders. Last evaluated: 2021-12-30. Review status: criteria provided, single submitter. Criteria: ACMG Guidelines, 2015. Collection method: clinical testing. Allele origin: germline. Affected: yes. Observed: 4 variant alleles.

Ambry Genetics
Classification: Pathogenic for Cardiovascular phenotype. Last evaluated: 2017-06-20. Review status: criteria provided, single submitter. Criteria: Ambry Variant Classification Scheme 2023. Collection method: clinical testing. Allele origin: germline.
Comment: The c.771delC pathogenic mutation, located in coding exon 6 of the ENG gene, results from a deletion of one nucleotide at nucleotide position 771, causing a translational frameshift with a predicted alternate stop codon (p.Y258Tfs*101). This mutation was identified in one individual with a clinical diagnosis of hereditary hemorrhagic telangiectasia (Gedge F et al. J Mol Diagn, 2007 Apr;9:258-65). In addition to the clinical data presented in the literature, this alteration is expected to result in loss of function by premature protein truncation or nonsense-mediated mRNA decay. As such, this alteration is interpreted as a disease-causing mutation.

Literature cited by the submitters: PubMed 15879500 (cited by Labcorp Genetics (formerly Invitae), Labcorp); PubMed 17384219 (cited by Labcorp Genetics (formerly Invitae), Labcorp and Ambry Genetics); PubMed 21158752 (cited by Labcorp Genetics (formerly Invitae), Labcorp); PubMed 25312062 (cited by Victorian Clinical Genetics Services, Murdoch Childrens Research Institute); PubMed 31455059 (cited by Victorian Clinical Genetics Services, Murdoch Childrens Research Institute).